The following is an entry in ClinVar:

ClinVar aggregate classification (germline): Uncertain significance. Review status: criteria provided, multiple submitters, no conflicts (2 of 4 stars). 3 submissions from 2 submitters: Uncertain significance (3). Last evaluated 2022-04-23.

Conditions:
GM1 gangliosidosis. Identifiers: Orphanet 354, MedGen C0085131, MONDO:0018149.
Mucopolysaccharidosis, MPS-IV-B (MPS4B). Also called: Mucopolysaccharidosis type IV B; Mucopolysaccharidosis Type IVB (Morquio B Disease); Mucopolysaccharidosis type 4B; Mucopolysaccharidosis type IVB (Morquio); MPS IVB; Mucopolysaccharidosis Type IVB. Identifiers: Orphanet 309310, Orphanet 582, MedGen C0086652, MONDO:0009660, OMIM 253010.

Allele frequency attached by ClinVar (database versions not stated): ExAC 0.00002; gnomAD exomes 0.00003 and 0.00007; TOPMed 0.00005; gnomAD 0.00006.
gnomAD v4.1: 117 of 1,613,990 alleles (0.0072%); highest among the groups gnomAD compares: Non-Finnish European, 0.0087%; no homozygotes.

Submissions (3):

Labcorp Genetics (formerly Invitae), Labcorp
Classification: Uncertain significance for Mucopolysaccharidosis, MPS-IV-B; GM1 gangliosidosis. Last evaluated: 2022-04-23. Review status: criteria provided, single submitter. Criteria: Invitae Variant Classification Sherloc (09022015). Collection method: clinical testing. Allele origin: germline.
Comment: This sequence change replaces arginine, which is basic and polar, with cysteine, which is neutral and slightly polar, at codon 206 of the GLB1 protein (p.Arg206Cys). This variant is present in population databases (rs766214522, gnomAD 0.005%). This variant has not been reported in the literature in individuals affected with GLB1-related conditions. ClinVar contains an entry for this variant (Variation ID: 902394). Advanced modeling of protein sequence and biophysical properties (such as structural, functional, and spatial information, amino acid conservation, physicochemical variation, residue mobility, and thermodynamic stability) performed at Invitae indicates that this missense variant is not expected to disrupt GLB1 protein function. In summary, the available evidence is currently insufficient to determine the role of this variant in disease. Therefore, it has been classified as a Variant of Uncertain Significance.

Illumina Laboratory Services, Illumina
Classification: Uncertain significance for Mucopolysaccharidosis, MPS-IV-B. Last evaluated: 2018-01-12. Review status: criteria provided, single submitter. Criteria: ICSL Variant Classification Criteria 13 December 2019. Collection method: clinical testing. Allele origin: germline.

Illumina Laboratory Services, Illumina
Classification: Uncertain significance for GM1 gangliosidosis. Last evaluated: 2018-01-12. Review status: criteria provided, single submitter. Criteria: ICSL Variant Classification Criteria 13 December 2019. Collection method: clinical testing. Allele origin: germline.

NM_000404.4(GLB1):c.616C>T (p.Arg206Cys)

Gene: GLB1 (galactosidase beta 1; minus strand). Cytogenetic location: 3p22.3.
Variant type: single nucleotide variant.
Coding change: c.616C>T on transcript NM_000404.4 (MANE Select); coding-DNA position 616, C replaced by T.
Protein change: p.Arg206Cys; replaces arginine 206 with cysteine.
Molecular consequence: missense variant. On other transcripts: intron variant (1).
Genome position (GRCh38, 1-based): chr3:33,058,206, G>A on the plus strand (C>T on the coding strand, the complement: GLB1 is on the minus strand). VCF-style: chr3-33058206-G-A. GRCh37 (hg19) VCF-style: chr3-33099698-G-A.
Other names: c.526C>T, p.Arg176Cys (NM_001079811.3); c.760C>T, p.Arg254Cys (NM_001317040.2); c.616C>T, p.Arg206Cys (NM_001393580.1); c.341-4657C>T (NM_001135602.3); short protein forms R206C, R254C, R176C.
Identifiers: ClinVar variation 902394 (VCV000902394.5), dbSNP rs766214522, ClinGen allele CA2299646.
Genomic context (GRCh38, chr3:33,058,206, plus strand): 5'-TTTTATGTGCTCCATCAGTGGTAAACAGAACCACATCATCCCCCAGATGGTGGCGAAAGC[G>A]CTTCTGCAGGAAGCGCAGGTAGTCAAAATCACAGGCAAAGTAGCTGCCATATTCATTTTC-3'
Protein context (NP_000395.3, residues 196-216): DFDYLRFLQK[Arg206Cys]FRHHLGDDVV